The following is an entry in ClinVar:

ClinVar aggregate classification (germline): Uncertain significance (1 of 4 stars; one submission).

Submission:

Women's Health and Genetics/Laboratory Corporation of America, LabCorp
Classification: Uncertain significance. Last evaluated: 2025-09-29. Review status: criteria provided, single submitter. Criteria: LabCorp Variant Classification Summary - May 2015. Collection method: clinical testing. Allele origin: germline.
Comment: Variant summary: The variant involves the duplication of exons 1-10 in the MEFV gene. A presumed nomenclature of c.(?_-47)_(*1115_?)dup has been designated for the purposes of this classification. This duplication includes the entire coding sequence of the gene. As exact breakpoints are unknown, it may extend beyond the annotated region of the gene, to include other flanking genes. The variant was absent in 21694 control chromosomes. The available data on variant occurrences in the general population are insufficient to allow any conclusion about variant significance. To our knowledge, no occurrence of c.(?_-47)_(*1115_?)dup in individuals affected with MEFV-related conditions and no experimental evidence demonstrating its impact on protein function have been reported. ClinVar contains an entry for this variant (Variation ID: 832160). Based on the evidence outlined above, the variant was classified as uncertain significance.

NC_000016.9:g.(?_3292026)_(3306634_?)dup

Gene: MEFV (MEFV innate immunity regulator, pyrin; minus strand). Cytogenetic location: 16p13.3.
Variant type: Duplication.
Identifiers: ClinVar variation 3384736 (VCV003384736.2).